The following is an entry in ClinVar:

ClinVar aggregate classification (germline): Uncertain significance (1 of 4 stars; one submission).

Conditions:
Imerslund-Grasbeck syndrome. Also called: ENTEROCYTE COBALAMIN MALABSORPTION; ENTEROCYTE INTRINSIC FACTOR RECEPTOR, DEFECT OF; Imerslund-Gräsbeck syndrome; Megaloblastic anemia due to inborn errors of metabolism; PERNICIOUS ANEMIA, JUVENILE, DUE TO SELECTIVE INTESTINAL MALABSORPTION OF VITAMIN B12, WITH PROTEINURIA. Identifiers: Orphanet 35858, MedGen C4551825, MONDO:0009853.

Allele frequency attached by ClinVar (database versions not stated): gnomAD 0.00001; TOPMed 0.00001; gnomAD exomes 0.00002.
gnomAD v4.1: 17 of 1,613,816 alleles (0.0011%); highest among the groups gnomAD compares: Non-Finnish European, 0.0014%; no homozygotes.

Submission:

Labcorp Genetics (formerly Invitae), Labcorp
Classification: Uncertain significance for Imerslund-Grasbeck syndrome. Last evaluated: 2023-05-02. Review status: criteria provided, single submitter. Criteria: Invitae Variant Classification Sherloc (09022015). Collection method: clinical testing. Allele origin: germline.
Comment: This sequence change replaces glycine, which is neutral and non-polar, with arginine, which is basic and polar, at codon 2060 of the CUBN protein (p.Gly2060Arg). This variant is not present in population databases (gnomAD no frequency). This variant has not been reported in the literature in individuals affected with CUBN-related conditions. Advanced modeling of protein sequence and biophysical properties (such as structural, functional, and spatial information, amino acid conservation, physicochemical variation, residue mobility, and thermodynamic stability) performed at Invitae indicates that this missense variant is not expected to disrupt CUBN protein function. In summary, the available evidence is currently insufficient to determine the role of this variant in disease. Therefore, it has been classified as a Variant of Uncertain Significance.

NM_001081.4(CUBN):c.6178G>C (p.Gly2060Arg)

Gene: CUBN (cubilin; minus strand). Cytogenetic location: 10p13.
Variant type: single nucleotide variant.
Coding change: c.6178G>C on transcript NM_001081.4 (MANE Select); coding-DNA position 6178, G replaced by C.
Protein change: p.Gly2060Arg; replaces glycine 2060 with arginine.
Molecular consequence: missense variant.
Genome position (GRCh38, 1-based): chr10:16,928,250, C>G on the plus strand (G>C on the coding strand, the complement: CUBN is on the minus strand). VCF-style: chr10-16928250-C-G. GRCh37 (hg19) VCF-style: chr10-16970249-C-G.
Other names: short protein forms G2060R.
Identifiers: ClinVar variation 2905432 (VCV002905432.3), dbSNP rs764311161, ClinGen allele CA203578549.
Genomic context (GRCh38, chr10:16,928,250, plus strand): 5'-TTACACTGGAGTCCGAGGTGAAGCGGATGAACATGTACTCTCCAGTAGACCGGATGGGCC[C>G]AGGGATCTCTCTGCCACAGAGAACTGCTAGCTGCTGGGCCAAGTTATTATCTCCTACGTT-3'
Protein context (NP_001072.2, residues 2050-2070): LAVLCGREIP[Gly2060Arg]PIRSTGEYMF